The following is an entry in ClinVar:

NM_022915.5(MRPL44):c.40C>T (p.Arg14Cys)

Genes: MRPL44 (mitochondrial ribosomal protein L44; plus strand), LOC129935704 (ATAC-STARR-seq lymphoblastoid active region 17184; plus strand). Cytogenetic location: 2q36.1.
Variant type: single nucleotide variant.
Coding change: c.40C>T on transcript NM_022915.5 (MANE Select); coding-DNA position 40, C replaced by T.
Protein change: p.Arg14Cys; replaces arginine 14 with cysteine.
Molecular consequence: missense variant.
Genome position (GRCh38, 1-based): chr2:223,957,512, C>T. VCF-style: chr2-223957512-C-T. GRCh37 (hg19) VCF-style: chr2-224822229-C-T.
Other names: p.Arg14Cys; short protein forms R14C.
Identifiers: ClinVar variation 1196100 (VCV001196100.16), dbSNP rs113422842, ClinGen allele CA2138962.

ClinVar aggregate classification (germline): Likely benign. Review status: criteria provided, multiple submitters, no conflicts (2 of 4 stars). 4 submissions from 4 submitters: Likely benign (3). 1 of the submissions does not count toward it. Last evaluated 2025-12-30.

Conditions:
MRPL44-related disorder. Also called: MRPL44-related condition.

Allele frequency attached by ClinVar (database versions not stated): gnomAD 0.00178 and 0.00166; ESP Exome Variant Server 0.00215; gnomAD exomes 0.00037; ExAC 0.00050; 1000 Genomes Project 30x 0.00094; 1000 Genomes Project 0.00120.
gnomAD v4.1: 544 of 1,614,114 alleles (0.034%); highest among the groups gnomAD compares: African/African-American, 0.61%; 4 homozygotes.

Submissions (4):

Labcorp Genetics (formerly Invitae), Labcorp
Classification: Likely benign. Last evaluated: 2025-12-30. Review status: criteria provided, single submitter. Criteria: Invitae Variant Classification Sherloc (09022015). Collection method: clinical testing. Allele origin: germline.

Mayo Clinic Laboratories, Mayo Clinic
Classification: Likely benign. Last evaluated: 2025-02-19. Review status: criteria provided, single submitter. Criteria: ACMG Guidelines, 2015. Collection method: clinical testing. Allele origin: germline. Observed: 3 variant alleles.
Comment: BS1, BP4

GeneDx
Classification: Likely benign. Last evaluated: 2019-11-01. Review status: criteria provided, single submitter. Criteria: GeneDx Variant Classification Process June 2021. Collection method: clinical testing. Allele origin: germline. Affected: yes.

PreventionGenetics, part of Exact Sciences
Classification: Likely benign for MRPL44-related condition. Last evaluated: 2020-03-23. Review status: no assertion criteria provided. Collection method: clinical testing. Allele origin: germline. Not counted in ClinVar's aggregate classification.
Comment: This variant is classified as likely benign based on ACMG/AMP sequence variant interpretation guidelines (Richards et al. 2015 PMID: 25741868, with internal and published modifications).